The following is an entry in ClinVar:

ClinVar aggregate classification (germline): Uncertain significance (1 of 4 stars; one submission).

Conditions:
Elliptocytosis 1 (EL1). Also called: 4.1- TRAIT; 4.1-MINUS TRAIT; ELLIPTOCYTOSIS, RHESUS-LINKED TYPE; PROTEIN 4.1 OF ERYTHROCYTE MEMBRANE, DEFECT OF. Identifiers: Orphanet 288, MedGen C2678497, MONDO:0012731, OMIM 611804.

gnomAD v4.1: 2 of 1,614,052 alleles (0.00012%); highest among the groups gnomAD compares: African/African-American, 0.0027%; no homozygotes.

Submission:

ARUP Laboratories, Molecular Genetics and Genomics, ARUP Laboratories
Classification: Uncertain significance for Elliptocytosis 1. Last evaluated: 2025-07-25. Review status: criteria provided, single submitter. Criteria: ARUP Molecular Germline Variant Investigation Process 2024. Collection method: clinical testing. Allele origin: germline.
Comment: The EPB41 c.425G>A; p.Ser142Asn variant (rs1480956966), to our knowledge, is not reported in the medical literature or gene specific databases. This variant is only observed on one allele in the Genome Aggregation Database (v2.1.1), indicating it is not a common polymorphism. Computational analyses are uncertain whether this variant is neutral or deleterious (REVEL: 0.185). Due to limited information, the clinical significance of this variant is uncertain at this time.

NM_001376013.1(EPB41):c.1052G>A (p.Ser351Asn)

Gene: EPB41 (erythrocyte membrane protein band 4.1; plus strand). Cytogenetic location: 1p35.3.
Variant type: single nucleotide variant.
Coding change: c.1052G>A on transcript NM_001376013.1 (MANE Select); coding-DNA position 1052, G replaced by A.
Protein change: p.Ser351Asn; replaces serine 351 with asparagine.
Molecular consequence: missense variant.
Genome position (GRCh38, 1-based): chr1:29,018,370, G>A. VCF-style: chr1-29018370-G-A. GRCh37 (hg19) VCF-style: chr1-29344882-G-A.
Other names: c.1052G>A, p.Ser351Asn (NM_001166005.2, NM_001166006.2, NM_001376014.1 and 7 more transcripts); c.425G>A, p.Ser142Asn (NM_001166007.2, NM_001376026.1, NM_001376027.1 and 7 more transcripts); c.947G>A, p.Ser316Asn (NM_203343.3); short protein forms S142N, S316N, S351N.
Identifiers: ClinVar variation 4685983 (VCV004685983.1).
Genomic context (GRCh38, chr1:29,018,370, plus strand): 5'-ACACCATCCAGTCTGAACTGGGAGACTACGACCCAGAACTCCATGGCGTGGATTATGTTA[G>A]TGATTTTAAACTGGCCCCGAATCAGACCAAGGAACTTGAAGAGAAGGTCATGGAACTGCA-3'
Protein context (NP_001362942.1, residues 341-361): DPELHGVDYV[Ser351Asn]DFKLAPNQTK